The following is an entry in ClinVar:

NM_000350.3(ABCA4):c.2887G>C (p.Gly963Arg)

Gene: ABCA4 (ATP binding cassette subfamily A member 4; minus strand). Cytogenetic location: 1p22.1.
Variant type: single nucleotide variant.
Coding change: c.2887G>C on transcript NM_000350.3 (MANE Select); coding-DNA position 2887, G replaced by C.
Protein change: p.Gly963Arg; replaces glycine 963 with arginine.
Molecular consequence: missense variant.
Genome position (GRCh38, 1-based): chr1:94,046,950, C>G on the plus strand (G>C on the coding strand, the complement: ABCA4 is on the minus strand). VCF-style: chr1-94046950-C-G. GRCh37 (hg19) VCF-style: chr1-94512506-C-G.
Other names: c.2665G>C, p.Gly889Arg (NM_001425324.1); short protein forms G963R, G889R.
Identifiers: ClinVar variation 970857 (VCV000970857.9), dbSNP rs1660700735, ClinGen allele CA341275345.

ClinVar aggregate classification (germline): Uncertain significance (1 of 4 stars; one submission).

Submission:

Labcorp Genetics (formerly Invitae), Labcorp
Classification: Uncertain significance. Last evaluated: 2019-10-26. Review status: criteria provided, single submitter. Criteria: Invitae Variant Classification Sherloc (09022015). Collection method: clinical testing. Allele origin: germline.
Comment: In summary, the available evidence is currently insufficient to determine the role of this variant in disease. Therefore, it has been classified as a Variant of Uncertain Significance. Algorithms developed to predict the effect of missense changes on protein structure and function (SIFT, PolyPhen-2, Align-GVGD) all suggest that this variant is likely to be disruptive, but these predictions have not been confirmed by published functional studies and their clinical significance is uncertain. This variant has not been reported in the literature in individuals with ABCA4-related conditions. This variant is not present in population databases (ExAC no frequency). This sequence change replaces glycine with arginine at codon 963 of the ABCA4 protein (p.Gly963Arg). The glycine residue is highly conserved and there is a moderate physicochemical difference between glycine and arginine.